The following is an entry in ClinVar:

NM_001111.5(ADAR):c.1111A>G (p.Ser371Gly)

Gene: ADAR (adenosine deaminase RNA specific; minus strand). Cytogenetic location: 1q21.3.
Variant type: single nucleotide variant.
Coding change: c.1111A>G on transcript NM_001111.5 (MANE Select); coding-DNA position 1111, A replaced by G.
Protein change: p.Ser371Gly; replaces serine 371 with glycine.
Molecular consequence: missense variant.
Genome position (GRCh38, 1-based): chr1:154,601,531, T>C on the plus strand (A>G on the coding strand, the complement: ADAR is on the minus strand). VCF-style: chr1-154601531-T-C. GRCh37 (hg19) VCF-style: chr1-154574007-T-C.
Other names: c.226A>G, p.Ser76Gly (NM_001025107.3, NM_001193495.2, NM_001365046.1 and 3 more transcripts); c.1138A>G, p.Ser380Gly (NM_001365045.1); c.1111A>G, p.Ser371Gly (NM_015840.4, NM_015841.4); short protein forms S371G, S380G, S76G.
Identifiers: ClinVar variation 3752336 (VCV003752336.2).

ClinVar aggregate classification (germline): Uncertain significance (1 of 4 stars; one submission).

Conditions:
Symmetrical dyschromatosis of extremities (DSH). Also called: DYSCHROMATOSIS SYMMETRICA HEREDITARIA 1; RETICULATE ACROPIGMENTATION OF DOHI; SYMMETRIC DYSCHROMATOSIS OF THE EXTREMITIES; Dyschromatosis symmetrica hereditaria. Identifiers: Orphanet 41, MedGen C0406775, MONDO:0007483, OMIM 127400.
Aicardi-Goutieres syndrome 6 (AGS6). Identifiers: Orphanet 51, MedGen C3539013, MONDO:0014007, OMIM 615010.

gnomAD v4.1: 6 of 1,613,430 alleles (0.00037%); highest among the groups gnomAD compares: Admixed American, 0.0017%; no homozygotes.

Submission:

Labcorp Genetics (formerly Invitae), Labcorp
Classification: Uncertain significance for Aicardi-Goutieres syndrome 6; Symmetrical dyschromatosis of extremities. Last evaluated: 2024-04-03. Review status: criteria provided, single submitter. Criteria: Invitae Variant Classification Sherloc (09022015). Collection method: clinical testing. Allele origin: germline.
Comment: This sequence change replaces serine, which is neutral and polar, with glycine, which is neutral and non-polar, at codon 371 of the ADAR protein (p.Ser371Gly). This variant is present in population databases (rs747094730, gnomAD 0.003%). This variant has not been reported in the literature in individuals affected with ADAR-related conditions. Advanced modeling of protein sequence and biophysical properties (such as structural, functional, and spatial information, amino acid conservation, physicochemical variation, residue mobility, and thermodynamic stability) performed at Invitae indicates that this missense variant is not expected to disrupt ADAR protein function with a negative predictive value of 80%. In summary, the available evidence is currently insufficient to determine the role of this variant in disease. Therefore, it has been classified as a Variant of Uncertain Significance.